The following is an entry in ClinVar:

NM_004336.5(BUB1):c.311C>T (p.Ala104Val)

Gene: BUB1 (BUB1 mitotic checkpoint serine/threonine kinase; minus strand). Cytogenetic location: 2q13.
Variant type: single nucleotide variant.
Coding change: c.311C>T on transcript NM_004336.5 (MANE Select); coding-DNA position 311, C replaced by T.
Protein change: p.Ala104Val; replaces alanine 104 with valine.
Molecular consequence: missense variant.
Genome position (GRCh38, 1-based): chr2:110,672,772, G>A on the plus strand (C>T on the coding strand, the complement: BUB1 is on the minus strand). VCF-style: chr2-110672772-G-A. GRCh37 (hg19) VCF-style: chr2-111430349-G-A.
Other names: c.251C>T, p.Ala84Val (NM_001278616.2); c.311C>T, p.Ala104Val (NM_001278617.2); short protein forms A84V, A104V.
Identifiers: ClinVar variation 3482988 (VCV003482988.1).

ClinVar aggregate classification (germline): Uncertain significance (1 of 4 stars; one submission).

Submission:

Ambry Genetics
Classification: Uncertain significance. Last evaluated: 2024-07-07. Review status: criteria provided, single submitter. Criteria: Ambry Variant Classification Scheme 2023. Collection method: clinical testing. Allele origin: germline.
Comment: The p.A104V variant (also known as c.311C>T), located in coding exon 4 of the BUB1 gene, results from a C to T substitution at nucleotide position 311. The alanine at codon 104 is replaced by valine, an amino acid with similar properties. This amino acid position is conserved. In addition, this alteration is predicted to be tolerated by in silico analysis. Based on the available evidence, the clinical significance of this variant remains unclear.